The following is an entry in ClinVar:

ClinVar aggregate classification (germline): Conflicting classifications of pathogenicity. Review status: criteria provided, conflicting classifications (1 of 4 stars). 10 submissions from 9 submitters: Pathogenic (1); Likely pathogenic (4); Uncertain significance (3). 2 of the submissions do not count toward it. Last evaluated 2026-01-15.

Conditions:
RYR1-related disorder. Also called: RYR1-related disorders; RYR1-related condition. Identifiers: MedGen CN239331.
Congenital multicore myopathy with external ophthalmoplegia (CMYO1B). Also called: MULTIMINICORE DISEASE WITH EXTERNAL OPHTHALMOPLEGIA; Minicore myopathy; Minicore myopathy with external ophthalmoplegia; Congenital myopathy 1B, autosomal recessive; MULTICORE MYOPATHY. Identifiers: Orphanet 598, Orphanet 98905, MedGen C1850674, MONDO:0009712, OMIM 255320, HP:0003789.
Malignant hyperthermia, susceptibility to, 1 (MHS1). Also called: Anesthesia related hyperthermia; Malignant hyperpyrexia; Fulminating hyperpyrexia; Pharmacogenic myopathy; RYR1-Related Malignant Hyperthermia Susceptibility; Malignant hyperthermia suceptibility 1. Identifiers: Orphanet 423, MedGen C2930980, MONDO:0007783, OMIM 145600.
Malignant hypothermia.

Allele frequency attached by ClinVar (database versions not stated): gnomAD exomes below 0.00001 and 0.00001; TOPMed 0.00001; gnomAD 0.00003.
gnomAD v4.1: 19 of 1,613,840 alleles (0.0012%); highest among the groups gnomAD compares: South Asian, 0.0055%; no homozygotes.

Submissions (10):

GeneDx
Classification: Likely pathogenic. Last evaluated: 2026-01-15. Review status: criteria provided, single submitter. Criteria: GeneDx Variant Classification Process June 2021. Collection method: clinical testing. Allele origin: germline. Affected: yes.
Comment: Identified with additional variants in the RYR1 gene in individuals with central core disease, multiminicore disease, and congenital myopathy in the published literature, but it is not known whether the variants occurred on the same (in cis) or on different (in trans) chromosomes in some cases (PMID: 30611313, 35693006, 33333461, 35428369); In silico analysis supports that this missense variant has a deleterious effect on protein structure/function; Not observed at significant frequency in large population cohorts (gnomAD); This variant is associated with the following publications: (PMID: 33333461, 30611313, 35428369, 35693006)

Labcorp Genetics (formerly Invitae), Labcorp
Classification: Pathogenic for RYR1-related disorder. Last evaluated: 2025-12-29. Review status: criteria provided, single submitter. Criteria: Invitae Variant Classification Sherloc (09022015). Collection method: clinical testing. Allele origin: germline.
Comment: This sequence change replaces arginine, which is basic and polar, with glutamine, which is neutral and polar, at codon 4564 of the RYR1 protein (p.Arg4564Gln). This variant is present in population databases (no rsID available, gnomAD 0.002%). This missense change has been observed in individual(s) with autosomal recessive RYR1-related conditions (PMID: 18253926, 30611313, 33333461; internal data). In at least one individual the data is consistent with being in trans (on the opposite chromosome) from a pathogenic variant. This variant is also known as c.13676G>A. ClinVar contains an entry for this variant (Variation ID: 218466). Invitae Evidence Modeling of protein sequence and biophysical properties (such as structural, functional, and spatial information, amino acid conservation, physicochemical variation, residue mobility, and thermodynamic stability) has been performed for this missense variant. However, the output from this modeling did not meet the statistical confidence thresholds required to predict the impact of this variant on RYR1 protein function. For these reasons, this variant has been classified as Pathogenic.

Color Diagnostics, LLC DBA Color Health
Classification: Uncertain significance for Malignant hyperthermia, susceptibility to, 1. Last evaluated: 2025-08-26. Review status: criteria provided, single submitter. Criteria: ACMG Guidelines, 2015. Collection method: clinical testing. Allele origin: germline.
Comment: This missense variant replaces arginine with glutamine at codon 4564 of the RYR1 protein. Computational prediction suggests that this variant may have deleterious impact on protein structure and function. To our knowledge, functional studies have not been reported for this variant. This variant has not been reported in individuals affected with autosomal dominant malignant hyperthermia in the literature, although it is associated with other phenotype(s) (ClinVar variation ID: 218466PMID: 18253926, 30611313, 33333461). This variant has been identified in 2/282866 chromosomes in the general population by the Genome Aggregation Database (gnomAD). Due to insufficient evidence, this variant is classified as a Variant of Uncertain Significance for autosomal dominant malignant hyperthermia.

Blueprint Genetics
Classification: Uncertain significance. Last evaluated: 2022-11-08. Review status: criteria provided, single submitter. Criteria: ACMG Guidelines, 2015. Collection method: clinical testing. Allele origin: germline.

Baylor Genetics
Classification: Likely pathogenic for Malignant hyperthermia, susceptibility to, 1. Last evaluated: 2022-04-02. Review status: criteria provided, single submitter. Criteria: ACMG Guidelines, 2015. Collection method: clinical testing. Allele origin: unknown.

Pediatric Department, Peking University First Hospital
Classification: Likely pathogenic for Congenital multicore myopathy with external ophthalmoplegia. Last evaluated: 2022-02-08. Review status: criteria provided, single submitter. Criteria: ACMG Guidelines, 2015. Collection method: provider interpretation. Allele origin: paternal. Affected: yes.

Genomic Diagnostic Laboratory, Division of Genomic Diagnostics, Children's Hospital of Philadelphia
Classification: Uncertain significance for Malignant hypothermia. Last evaluated: 2015-06-23. Review status: criteria provided, single submitter. Criteria: DGD Variant Analysis Guidelines. Collection method: clinical testing. Allele origin: unknown.

Baylor Genetics
Classification: Likely pathogenic for RYR1-Related Disorders. Review status: criteria provided, single submitter. Criteria: ACMG Guidelines, 2015. Collection method: clinical testing. Allele origin: unknown.

Revvity Omics, Revvity
Classification: Uncertain significance. Last evaluated: 2024-02-14. Review status: flagged submission. Criteria: ACMG Guidelines, 2015. Collection method: clinical testing. Allele origin: germline. Not counted in ClinVar's aggregate classification.
ClinVar note: Reason: Outlier claim with insufficient supporting evidence

All of Us Research Program, National Institutes of Health
Classification: Uncertain significance for Malignant hyperthermia, susceptibility to, 1. Last evaluated: 2023-12-01. Review status: flagged submission. Criteria: ACMG Guidelines, 2015. Collection method: clinical testing. Allele origin: germline. Inheritance: Autosomal dominant inheritance. Observed: 6 variant alleles, 6 heterozygotes. Not counted in ClinVar's aggregate classification.
Comment: This missense variant replaces arginine with glutamine at codon 4564 of the RYR1 protein. Computational prediction suggests that this variant may have deleterious impact on protein structure and function (internally defined REVEL score threshold >= 0.7, PMID: 27666373). To our knowledge, functional studies have not been reported for this variant. This variant has not been reported in individuals affected with autosomal dominant malignant hyperthermia in the literature, although it is associated with other phenotype(s) (ClinVar variation ID: 218466; PMID: 18253926, 30611313, 33333461). This variant has been identified in 2/282866 chromosomes in the general population by the Genome Aggregation Database (gnomAD). Due to insufficient evidence, this variant is classified as a Variant of Uncertain Significance for autosomal dominant malignant hyperthermia.

This study involves interpretation of variants in research participants for the purpose of population health screening. Participant phenotype was not available at the time of variant classification. Additional details can be found in publication PMID: 35346344, PMCID: PMC8962531
ClinVar note: Reason: Outlier claim with insufficient supporting evidence

Literature cited by the submitters: PubMed 18253926 (cited by Labcorp Genetics (formerly Invitae), Labcorp and All of Us Research Program, National Institutes of Health); PubMed 30611313 (cited by Labcorp Genetics (formerly Invitae), Labcorp and All of Us Research Program, National Institutes of Health); PubMed 33333461 (cited by Labcorp Genetics (formerly Invitae), Labcorp and All of Us Research Program, National Institutes of Health).

NM_000540.3(RYR1):c.13691G>A (p.Arg4564Gln)

Gene: RYR1 (ryanodine receptor 1; plus strand). Cytogenetic location: 19q13.2.
Variant type: single nucleotide variant.
Coding change: c.13691G>A on transcript NM_000540.3 (MANE Select); coding-DNA position 13691, G replaced by A.
Protein change: p.Arg4564Gln; replaces arginine 4564 with glutamine.
Molecular consequence: missense variant.
Genome position (GRCh38, 1-based): chr19:38,570,638, G>A. VCF-style: chr19-38570638-G-A. GRCh37 (hg19) VCF-style: chr19-39061278-G-A.
Other names: c.13676G>A, p.Arg4559Gln (NM_001042723.2); short protein forms R4564Q, R4559Q.
Identifiers: ClinVar variation 218466 (VCV000218466.25), dbSNP rs864309559, ClinGen allele CA080956.